The following is an entry in ClinVar:

NM_000988.5(RPL27):c.265A>G (p.Ile89Val)

Gene: RPL27 (ribosomal protein L27; plus strand). Cytogenetic location: 17q21.31.
Variant type: single nucleotide variant.
Coding change: c.265A>G on transcript NM_000988.5 (MANE Select); coding-DNA position 265, A replaced by G.
Protein change: p.Ile89Val; replaces isoleucine 89 with valine.
Molecular consequence: missense variant. On other transcripts: non-coding transcript variant (1).
Genome position (GRCh38, 1-based): chr17:43,002,686, A>G. VCF-style: chr17-43002686-A-G. GRCh37 (hg19) VCF-style: chr17-41154703-A-G.
Other names: c.265A>G, p.Ile89Val (NM_001349921.2, NM_001349922.2); short protein forms I89V.
Identifiers: ClinVar variation 4779430 (VCV004779430.1).

ClinVar aggregate classification (germline): Uncertain significance (1 of 4 stars; one submission).

Submission:

Labcorp Genetics (formerly Invitae), Labcorp
Classification: Uncertain significance. Last evaluated: 2025-06-29. Review status: criteria provided, single submitter. Criteria: Invitae Variant Classification Sherloc (09022015). Collection method: clinical testing. Allele origin: germline.
Comment: This sequence change replaces isoleucine, which is neutral and non-polar, with valine, which is neutral and non-polar, at codon 89 of the RPL27 protein (p.Ile89Val). This variant is not present in population databases (gnomAD no frequency). This variant has not been reported in the literature in individuals affected with RPL27-related conditions. An algorithm developed to predict the effect of missense changes on protein structure and function (PolyPhen-2) suggests that this variant is likely to be tolerated. In summary, the available evidence is currently insufficient to determine the role of this variant in disease. Therefore, it has been classified as a Variant of Uncertain Significance.